The following is an entry in ClinVar:

NM_172362.3(KCNH1):c.2903A>G (p.Gln968Arg)

Gene: KCNH1 (potassium voltage-gated channel subfamily H member 1; minus strand). Cytogenetic location: 1q32.2.
Variant type: single nucleotide variant.
Coding change: c.2903A>G on transcript NM_172362.3 (MANE Select); coding-DNA position 2903, A replaced by G.
Protein change: p.Gln968Arg; replaces glutamine 968 with arginine.
Molecular consequence: missense variant.
Genome position (GRCh38, 1-based): chr1:210,683,348, T>C on the plus strand (A>G on the coding strand, the complement: KCNH1 is on the minus strand). VCF-style: chr1-210683348-T-C. GRCh37 (hg19) VCF-style: chr1-210856690-T-C.
Other names: c.2822A>G, p.Gln941Arg (NM_002238.4); short protein forms Q941R, Q968R.
Identifiers: ClinVar variation 2000645 (VCV002000645.4), dbSNP rs2546368906, ClinGen allele CA344870177.

ClinVar aggregate classification (germline): Uncertain significance (1 of 4 stars; one submission).

Submission:

Labcorp Genetics (formerly Invitae), Labcorp
Classification: Uncertain significance. Last evaluated: 2022-05-29. Review status: criteria provided, single submitter. Criteria: Invitae Variant Classification Sherloc (09022015). Collection method: clinical testing. Allele origin: germline.
Comment: In summary, the available evidence is currently insufficient to determine the role of this variant in disease. Therefore, it has been classified as a Variant of Uncertain Significance. Advanced modeling of protein sequence and biophysical properties (such as structural, functional, and spatial information, amino acid conservation, physicochemical variation, residue mobility, and thermodynamic stability) performed at Invitae indicates that this missense variant is not expected to disrupt KCNH1 protein function. This variant has not been reported in the literature in individuals affected with KCNH1-related conditions. This variant is not present in population databases (gnomAD no frequency). This sequence change replaces glutamine, which is neutral and polar, with arginine, which is basic and polar, at codon 968 of the KCNH1 protein (p.Gln968Arg).